The following is an entry in ClinVar:

NM_001385079.1(PDE10A):c.2044G>A (p.Val682Ile)

Gene: PDE10A (phosphodiesterase 10A; minus strand). Cytogenetic location: 6q27.
Variant type: single nucleotide variant.
Coding change: c.2044G>A on transcript NM_001385079.1 (MANE Select); coding-DNA position 2044, G replaced by A.
Protein change: p.Val682Ile; replaces valine 682 with isoleucine.
Molecular consequence: missense variant.
Genome position (GRCh38, 1-based): chr6:165,413,533, C>T on the plus strand (G>A on the coding strand, the complement: PDE10A is on the minus strand). VCF-style: chr6-165413533-C-T. GRCh37 (hg19) VCF-style: chr6-165827021-C-T.
Other names: c.1246G>A, p.Val416Ile (NM_001130690.3); c.1216G>A, p.Val406Ile (NM_006661.4); short protein forms V416I, V682I, V406I.
Identifiers: ClinVar variation 2755544 (VCV002755544.3), dbSNP rs145091675, ClinGen allele CA4092223.

ClinVar aggregate classification (germline): Uncertain significance (1 of 4 stars; one submission).

Allele frequency attached by ClinVar (database versions not stated): ExAC 0.00004; gnomAD 0.00004; gnomAD exomes 0.00004; TOPMed 0.00006; ESP Exome Variant Server 0.00015.
gnomAD v4.1: 66 of 1,613,868 alleles (0.0041%); highest among the groups gnomAD compares: African/African-American, 0.0053%; no homozygotes.

Submission:

Labcorp Genetics (formerly Invitae), Labcorp
Classification: Uncertain significance. Last evaluated: 2022-12-25. Review status: criteria provided, single submitter. Criteria: Invitae Variant Classification Sherloc (09022015). Collection method: clinical testing. Allele origin: germline.
Comment: In summary, the available evidence is currently insufficient to determine the role of this variant in disease. Therefore, it has been classified as a Variant of Uncertain Significance. Advanced modeling of protein sequence and biophysical properties (such as structural, functional, and spatial information, amino acid conservation, physicochemical variation, residue mobility, and thermodynamic stability) performed at Invitae indicates that this missense variant is not expected to disrupt PDE10A protein function. This variant has not been reported in the literature in individuals affected with PDE10A-related conditions. This variant is present in population databases (rs145091675, gnomAD 0.01%). This sequence change replaces valine, which is neutral and non-polar, with isoleucine, which is neutral and non-polar, at codon 416 of the PDE10A protein (p.Val416Ile).